The following is an entry in ClinVar:

NM_206937.2(LIG4):c.2200del (p.Ser734fs)

Gene: LIG4 (DNA ligase 4; minus strand). Cytogenetic location: 13q33.3.
Variant type: Deletion.
Coding change: c.2200del on transcript NM_206937.2 (MANE Select); coding-DNA position 2200, one base deleted (A; older notation c.2200delA).
Protein change: p.Ser734fs; shifts the reading frame from serine 734.
Molecular consequence: frameshift variant.
Genome position (GRCh38, 1-based): chr13:108,209,069, T deleted on the plus strand (A on the coding strand, the reverse complement: LIG4 is on the minus strand); the first of 4 consecutive T bases (chr13:108,209,069-108,209,072); deleting any one gives the same sequence. VCF-style (leftmost placement, unchanged base first): chr13-108209068-CT-C. GRCh37 (hg19) VCF-style: chr13-108861416-CT-C.
Other names: c.2200del, p.Ser734fs (NM_001098268.2, NM_001352598.2, NM_001352599.2 and 6 more transcripts); c.1999del, p.Ser667fs (NM_001330595.2); c.2236del, p.Ser746fs (NM_001352604.2); short protein forms S734fs, S746fs, S667fs.
Identifiers: ClinVar variation 3630936 (VCV003630936.2).

ClinVar aggregate classification (germline): Pathogenic (1 of 4 stars; one submission).

Conditions:
DNA ligase IV deficiency. Identifiers: Orphanet 99812, MedGen C1847827, MONDO:0011686, OMIM 606593.

Submission:

Labcorp Genetics (formerly Invitae), Labcorp
Classification: Pathogenic for DNA ligase IV deficiency. Last evaluated: 2024-02-06. Review status: criteria provided, single submitter. Criteria: Invitae Variant Classification Sherloc (09022015). Collection method: clinical testing. Allele origin: germline.
Comment: This sequence change creates a premature translational stop signal (p.Ser734Alafs*10) in the LIG4 gene. While this is not anticipated to result in nonsense mediated decay, it is expected to disrupt the last 179 amino acid(s) of the LIG4 protein. This variant is not present in population databases (gnomAD no frequency). This variant has not been reported in the literature in individuals affected with LIG4-related conditions. This variant disrupts a region of the LIG4 protein in which other variant(s) (p.Gln904*) have been determined to be pathogenic (PMID: 34630384). This suggests that this is a clinically significant region of the protein, and that variants that disrupt it are likely to be disease-causing. For these reasons, this variant has been classified as Pathogenic.

Literature cited by the submitters: PubMed 34630384.